The following is an entry in ClinVar:

ClinVar aggregate classification (germline): Uncertain significance (1 of 4 stars; one submission).

Allele frequency attached by ClinVar (database versions not stated): gnomAD exomes below 0.00001.
gnomAD v4.1: 1 of 1,536,018 alleles (0.000065%); highest among the groups gnomAD compares: Non-Finnish European, 0.000088%; no homozygotes.

Submission:

Labcorp Genetics (formerly Invitae), Labcorp
Classification: Uncertain significance. Last evaluated: 2025-01-05. Review status: criteria provided, single submitter. Criteria: Invitae Variant Classification Sherloc (09022015). Collection method: clinical testing. Allele origin: germline.
Comment: This sequence change creates a premature translational stop signal (p.Arg43*) in the KCNK4 gene. It is expected to result in an absent or disrupted protein product. However, the current clinical and genetic evidence is not sufficient to establish whether loss-of-function variants in KCNK4 cause disease. This variant is not present in population databases (gnomAD no frequency). This variant has not been reported in the literature in individuals affected with KCNK4-related conditions. ClinVar contains an entry for this variant (Variation ID: 2783956). In summary, the available evidence is currently insufficient to determine the role of this variant in disease. Therefore, it has been classified as a Variant of Uncertain Significance.

NM_033310.3(KCNK4):c.127C>T (p.Arg43Ter)

Genes: KCNK4 (potassium two pore domain channel subfamily K member 4; plus strand), KCNK4-CATSPERZ (KCNK4-CATSPERZ readthrough (NMD candidate); plus strand). Cytogenetic location: 11q13.1.
Variant type: single nucleotide variant.
Coding change: c.127C>T on transcript NM_033310.3 (MANE Select); coding-DNA position 127, C replaced by T.
Protein change: p.Arg43Ter; replaces arginine 43 with a stop codon.
Molecular consequence: nonsense. On other transcripts: non-coding transcript variant (2).
Genome position (GRCh38, 1-based): chr11:64,293,145, C>T. VCF-style: chr11-64293145-C-T. GRCh37 (hg19) VCF-style: chr11-64060617-C-T.
Other names: c.127C>T, p.Arg43Ter (NM_001317090.2, NM_033311.1); short protein forms R43*.
Identifiers: ClinVar variation 2783956 (VCV002783956.3), dbSNP rs1426901887, ClinGen allele CA381158446.
Genomic context (GRCh38, chr11:64,293,145, plus strand): 5'-GTGTTCCGGGCCCTGGAGCAGCCCCACGAGCAGCAGGCCCAGAGGGAGCTGGGGGAGGTC[C>T]GAGAGAAGTTCCTGAGGGCCCATCCGTGTGTGAGCGACCAGGAGCTGGGCCTCCTCATCA-3'